The following is an entry in ClinVar:

ClinVar aggregate classification (germline): Uncertain significance. Review status: criteria provided, multiple submitters, no conflicts (2 of 4 stars). 2 submissions from 2 submitters: Uncertain significance (2). Last evaluated 2026-09-01.

Conditions:
Intellectual developmental disorder, X-linked 1. Also called: Atkin Flaitz Patil Smith syndrome; Intellectual disability, X-linked 1; MENTAL RETARDATION, X-LINKED 18; MENTAL RETARDATION, X-LINKED 78. Identifiers: Orphanet 777, MedGen C2931498, MONDO:0010656, OMIM 309530.

Allele frequency attached by ClinVar (database versions not stated): TOPMed 0.00001.

Submissions (2):

CeGaT Center for Human Genetics Tuebingen
Classification: Uncertain significance. Last evaluated: 2026-09-01. Review status: criteria provided, single submitter. Criteria: CeGaT Center For Human Genetics Tuebingen Variant Classification Criteria Version 2. Collection method: clinical testing. Allele origin: germline. Affected: yes. Observed: 1 variant allele.
Comment: IQSEC2: PM2, PP2

Labcorp Genetics (formerly Invitae), Labcorp
Classification: Uncertain significance for Intellectual developmental disorder, X-linked 1. Last evaluated: 2025-02-04. Review status: criteria provided, single submitter. Criteria: Invitae Variant Classification Sherloc (09022015). Collection method: clinical testing. Allele origin: germline.
Comment: This sequence change replaces proline, which is neutral and non-polar, with threonine, which is neutral and polar, at codon 1410 of the IQSEC2 protein (p.Pro1410Thr). This variant is not present in population databases (gnomAD no frequency). This variant has not been reported in the literature in individuals affected with IQSEC2-related conditions. ClinVar contains an entry for this variant (Variation ID: 1059397). Invitae Evidence Modeling of protein sequence and biophysical properties (such as structural, functional, and spatial information, amino acid conservation, physicochemical variation, residue mobility, and thermodynamic stability) indicates that this missense variant is not expected to disrupt IQSEC2 protein function with a negative predictive value of 95%. In summary, the available evidence is currently insufficient to determine the role of this variant in disease. Therefore, it has been classified as a Variant of Uncertain Significance.

NM_001111125.3(IQSEC2):c.4228C>A (p.Pro1410Thr)

Gene: IQSEC2 (IQ motif and Sec7 domain ArfGEF 2; minus strand). Cytogenetic location: Xp11.22.
Variant type: single nucleotide variant.
Coding change: c.4228C>A on transcript NM_001111125.3 (MANE Select); coding-DNA position 4228, C replaced by A.
Protein change: p.Pro1410Thr; replaces proline 1410 with threonine.
Molecular consequence: missense variant. On other transcripts: 3 prime UTR variant (1).
Genome position (GRCh38, 1-based): chrX:53,234,458, G>T on the plus strand (C>A on the coding strand, the complement: IQSEC2 is on the minus strand). VCF-style: chrX-53234458-G-T. GRCh37 (hg19) VCF-style: chrX-53263640-G-T.
Other names: c.*713C>A (NM_015075.2); short protein forms P1410T.
Identifiers: ClinVar variation 1059397 (VCV001059397.10), dbSNP rs2074094532, ClinGen allele CA413139034.